The following is an entry in ClinVar:

ClinVar aggregate classification (germline): Uncertain significance (1 of 4 stars; one submission).

Conditions:
Inborn genetic diseases. Identifiers: MedGen C0950123, MeSH D030342.
Ocular cystinosis. Also called: Non-Nephropathic Cystinosis; Non-Nephropathic (Ocular) Cystinosis. Identifiers: Orphanet 213, Orphanet 411641, MedGen C2931013, MONDO:0009064, OMIM 219750.
Juvenile nephropathic cystinosis. Also called: Intermediate Cystinosis; CYSTINOSIS, LATE-ONSET JUVENILE OR ADOLESCENT NEPHROPATHIC TYPE; Later-Onset (Juvenile) Cystinosis. Identifiers: Orphanet 213, Orphanet 411634, MedGen C0268626, MONDO:0009066, OMIM 219900.

Allele frequency attached by ClinVar (database versions not stated): gnomAD exomes below 0.00001; ExAC 0.00001; TOPMed 0.00001.
gnomAD v4.1: 3 of 1,613,644 alleles (0.00019%); highest among the groups gnomAD compares: Admixed American, 0.0017%; no homozygotes.

Submission:

Labcorp Genetics (formerly Invitae), Labcorp
Classification: Uncertain significance for Inborn genetic diseases; Ocular cystinosis; Juvenile nephropathic cystinosis. Last evaluated: 2025-08-20. Review status: criteria provided, single submitter. Criteria: Invitae Variant Classification Sherloc (09022015). Collection method: clinical testing. Allele origin: germline.
Comment: This sequence change replaces methionine, which is neutral and non-polar, with threonine, which is neutral and polar, at codon 287 of the CTNS protein (p.Met287Thr). This variant is present in population databases (rs760798633, gnomAD 0.003%). This variant has not been reported in the literature in individuals affected with CTNS-related conditions. ClinVar contains an entry for this variant (Variation ID: 2145535). Invitae Evidence Modeling of protein sequence and biophysical properties (such as structural, functional, and spatial information, amino acid conservation, physicochemical variation, residue mobility, and thermodynamic stability) indicates that this missense variant is not expected to disrupt CTNS protein function with a negative predictive value of 80%. In summary, the available evidence is currently insufficient to determine the role of this variant in disease. Therefore, it has been classified as a Variant of Uncertain Significance.

NM_004937.3(CTNS):c.860T>C (p.Met287Thr)

Gene: CTNS (cystinosin, lysosomal cystine transporter; plus strand). Cytogenetic location: 17p13.2.
Variant type: single nucleotide variant.
Coding change: c.860T>C on transcript NM_004937.3 (MANE Select); coding-DNA position 860, T replaced by C.
Protein change: p.Met287Thr; replaces methionine 287 with threonine.
Molecular consequence: missense variant.
Genome position (GRCh38, 1-based): chr17:3,659,865, T>C. VCF-style: chr17-3659865-T-C. GRCh37 (hg19) VCF-style: chr17-3563159-T-C.
Other names: c.860T>C, p.Met287Thr (NM_001031681.3, NM_001374492.1); c.419T>C, p.Met140Thr (NM_001374493.1, NM_001374494.1, NM_001374495.1 and 1 more transcripts); short protein forms M140T, M287T.
Identifiers: ClinVar variation 2145535 (VCV002145535.3), dbSNP rs760798633, ClinGen allele CA8291941.